The following is an entry in ClinVar:

ClinVar aggregate classification (germline): Pathogenic. Review status: criteria provided, multiple submitters, no conflicts (2 of 4 stars). 2 submissions from 2 submitters: Pathogenic (2). Last evaluated 2022-09-01.

Conditions:
Congenital myotonia, autosomal recessive form. Also called: BECKER DISEASE; Becker Generalized Myotonia; myotonia congenita, autosomal recessive. Identifiers: Orphanet 614, MedGen C0751360, MONDO:0009715, OMIM 255700.
Congenital myotonia, autosomal dominant form (THD). Also called: THOMSEN DISEASE; Myotonia congenita autosomal dominant. Identifiers: Orphanet 614, MedGen C2936781, MONDO:0008055, OMIM 160800.

Submissions (2):

3billion
Classification: Pathogenic for Congenital myotonia, autosomal recessive form. Last evaluated: 2022-09-01. Review status: criteria provided, single submitter. Criteria: ACMG Guidelines, 2015. Collection method: clinical testing. Allele origin: germline. Affected: yes. Observed: 1 heterozygote.
Comment: The variant is not observed in the gnomAD v2.1.1 dataset. Frameshift variant is predicted to result in a loss or disruption of normal protein function through nonsense-mediated decay (NMD) or protein truncation. Multiple pathogenic variants are reported downstream of the variant. The variant is in trans with the other variant. The variant has been reported to be associated with CLCN1-related disorder (ClinVar ID: VCV001354004). Therefore, this variant is classified as Pathogenic according to the recommendation of ACMG/AMP guideline.

Labcorp Genetics (formerly Invitae), Labcorp
Classification: Pathogenic for Congenital myotonia, autosomal recessive form; Congenital myotonia, autosomal dominant form. Last evaluated: 2022-06-20. Review status: criteria provided, single submitter. Criteria: Invitae Variant Classification Sherloc (09022015). Collection method: clinical testing. Allele origin: germline.
Comment: For these reasons, this variant has been classified as Pathogenic. This variant has not been reported in the literature in individuals affected with CLCN1-related conditions. This variant is not present in population databases (gnomAD no frequency). This sequence change creates a premature translational stop signal (p.Glu717Argfs*80) in the CLCN1 gene. It is expected to result in an absent or disrupted protein product. Loss-of-function variants in CLCN1 are known to be pathogenic (PMID: 17932099, 22094069, 23739125).

Literature cited by the submitters: PubMed 17932099 (cited by Labcorp Genetics (formerly Invitae), Labcorp); PubMed 22094069 (cited by Labcorp Genetics (formerly Invitae), Labcorp); PubMed 23739125 (cited by Labcorp Genetics (formerly Invitae), Labcorp).

NM_000083.3(CLCN1):c.2148dup (p.Glu717fs)

Gene: CLCN1 (chloride voltage-gated channel 1; plus strand). Cytogenetic location: 7q34.
Variant type: Duplication.
Coding change: c.2148dup on transcript NM_000083.3 (MANE Select); coding-DNA position 2148, one base duplicated (C; older notation c.2148dupC).
Protein change: p.Glu717fs; shifts the reading frame from glutamic acid 717.
Molecular consequence: frameshift variant. On other transcripts: non-coding transcript variant (1).
Genome position (GRCh38, 1-based): chr7:143,345,738, C duplicated. VCF-style (leftmost placement, unchanged base first): chr7-143345737-A-AC. GRCh37 (hg19) VCF-style: chr7-143042830-A-AC.
Other names: short protein forms E717fs.
Identifiers: ClinVar variation 1354004 (VCV001354004.7), dbSNP rs2116384782, ClinGen allele CA2573141801.